The following is an entry in ClinVar:

NM_001903.5(CTNNA1):c.166A>G (p.Lys56Glu)

Gene: CTNNA1 (catenin alpha 1; plus strand). Cytogenetic location: 5q31.2.
Variant type: single nucleotide variant.
Coding change: c.166A>G on transcript NM_001903.5 (MANE Select); coding-DNA position 166, A replaced by G.
Protein change: p.Lys56Glu; replaces lysine 56 with glutamic acid.
Molecular consequence: missense variant. On other transcripts: 5 prime UTR variant (1), intron variant (1).
Genome position (GRCh38, 1-based): chr5:138,783,237, A>G. VCF-style: chr5-138783237-A-G. GRCh37 (hg19) VCF-style: chr5-138118926-A-G.
Other names: c.166A>G, p.Lys56Glu (NM_001290307.3, NM_001323982.2, NM_001323983.1 and 3 more transcripts); c.-41A>G (NM_001290310.3); c.-9+1208A>G (NM_001290309.3); short protein forms K56E.
Identifiers: ClinVar variation 965997 (VCV000965997.13), dbSNP rs1755330097, ClinGen allele CA361477386.

ClinVar aggregate classification (germline): Uncertain significance. Review status: criteria provided, multiple submitters, no conflicts (2 of 4 stars). 2 submissions from 2 submitters: Uncertain significance (2). Last evaluated 2025-09-19.

Conditions:
Hereditary cancer-predisposing syndrome. Also called: Hereditary neoplastic syndrome; Neoplastic Syndromes, Hereditary; Hereditary Cancer Syndrome; Tumor predisposition. Identifiers: Orphanet 140162, MedGen C0027672, MeSH D009386, MONDO:0015356.

Submissions (2):

Ambry Genetics
Classification: Uncertain significance for Hereditary cancer-predisposing syndrome. Last evaluated: 2025-09-19. Review status: criteria provided, single submitter. Criteria: Ambry Variant Classification Scheme 2023. Collection method: clinical testing. Allele origin: germline.
Comment: The p.K56E variant (also known as c.166A>G), located in coding exon 2 of the CTNNA1 gene, results from an A to G substitution at nucleotide position 166. The lysine at codon 56 is replaced by glutamic acid, an amino acid with similar properties. This amino acid position is conserved. In addition, the in silico prediction for this alteration is inconclusive. Since supporting evidence is limited at this time, the clinical significance of this alteration remains unclear.

Labcorp Genetics (formerly Invitae), Labcorp
Classification: Uncertain significance. Last evaluated: 2022-08-16. Review status: criteria provided, single submitter. Criteria: Invitae Variant Classification Sherloc (09022015). Collection method: clinical testing. Allele origin: germline.
Comment: This variant has not been reported in the literature in individuals affected with CTNNA1-related conditions. ClinVar contains an entry for this variant (Variation ID: 965997). This sequence change replaces lysine, which is basic and polar, with glutamic acid, which is acidic and polar, at codon 56 of the CTNNA1 protein (p.Lys56Glu). This variant is not present in population databases (gnomAD no frequency). Algorithms developed to predict the effect of missense changes on protein structure and function are either unavailable or do not agree on the potential impact of this missense change (SIFT: "Deleterious"; PolyPhen-2: "Probably Damaging"; Align-GVGD: "Class C0"). In summary, the available evidence is currently insufficient to determine the role of this variant in disease. Therefore, it has been classified as a Variant of Uncertain Significance.